The following is an entry in ClinVar:

ClinVar aggregate classification (germline): Uncertain significance (1 of 4 stars; one submission).

Allele frequency attached by ClinVar (database versions not stated): gnomAD 0.00001.

Submission:

Labcorp Genetics (formerly Invitae), Labcorp
Classification: Uncertain significance. Last evaluated: 2023-06-03. Review status: criteria provided, single submitter. Criteria: Invitae Variant Classification Sherloc (09022015). Collection method: clinical testing. Allele origin: germline.
Comment: In summary, the available evidence is currently insufficient to determine the role of this variant in disease. Therefore, it has been classified as a Variant of Uncertain Significance. Advanced modeling of protein sequence and biophysical properties (such as structural, functional, and spatial information, amino acid conservation, physicochemical variation, residue mobility, and thermodynamic stability) performed at Invitae indicates that this missense variant is expected to disrupt TCF3 protein function. This variant has not been reported in the literature in individuals affected with TCF3-related conditions. This variant is present in population databases (no rsID available, gnomAD 0.007%). This sequence change replaces arginine, which is basic and polar, with lysine, which is basic and polar, at codon 195 of the TCF3 protein (p.Arg195Lys).

NM_003200.5(TCF3):c.584G>A (p.Arg195Lys)

Gene: TCF3 (transcription factor 3; minus strand). Cytogenetic location: 19p13.3.
Variant type: single nucleotide variant.
Coding change: c.584G>A on transcript NM_003200.5 (MANE Select); coding-DNA position 584, G replaced by A.
Protein change: p.Arg195Lys; replaces arginine 195 with lysine.
Molecular consequence: missense variant.
Genome position (GRCh38, 1-based): chr19:1,622,381, C>T on the plus strand (G>A on the coding strand, the complement: TCF3 is on the minus strand). VCF-style: chr19-1622381-C-T. GRCh37 (hg19) VCF-style: chr19-1622380-C-T.
Other names: c.584G>A, p.Arg195Lys (NM_001136139.4, NM_001351778.2, NM_001351779.2); short protein forms R195K.
Identifiers: ClinVar variation 2807586 (VCV002807586.3), dbSNP rs1481888878, ClinGen allele CA403056174.